The following is an entry in ClinVar:

NM_145166.4(ZBTB47):c.691C>A (p.Gln231Lys)

Gene: ZBTB47 (zinc finger and BTB domain containing 47; plus strand). Cytogenetic location: 3p22.1.
Variant type: single nucleotide variant.
Coding change: c.691C>A on transcript NM_145166.4 (MANE Select); coding-DNA position 691, C replaced by A.
Protein change: p.Gln231Lys; replaces glutamine 231 with lysine.
Molecular consequence: missense variant.
Genome position (GRCh38, 1-based): chr3:42,659,046, C>A. VCF-style: chr3-42659046-C-A. GRCh37 (hg19) VCF-style: chr3-42700538-C-A.
Other names: c.775C>A, p.Gln259Lys (NM_001410746.1); short protein forms Q231K, Q259K.
Identifiers: ClinVar variation 2310426 (VCV002310426.3), dbSNP rs968378040, ClinGen allele CA74174903.

ClinVar aggregate classification (germline): Uncertain significance. Review status: criteria provided, multiple submitters, no conflicts (2 of 4 stars). 2 submissions from 2 submitters: Uncertain significance (2). Last evaluated 2025-05-30.

Allele frequency attached by ClinVar (database versions not stated): TOPMed 0.00001; gnomAD 0.00003.

Submissions (2):

Women's Health and Genetics/Laboratory Corporation of America, LabCorp
Classification: Uncertain significance. Last evaluated: 2025-05-30. Review status: criteria provided, single submitter. Criteria: LabCorp Variant Classification Summary - May 2015. Collection method: clinical testing. Allele origin: germline.
Comment: Variant summary: ZBTB47 c.691C>A (p.Gln231Lys) results in a conservative amino acid change in the encoded protein sequence. Algorithms developed to predict the effect of missense changes on protein structure and function are either unavailable or do not agree on the potential impact of this missense change. The frequency data for this variant in gnomAD is considered unreliable, as metrics indicate poor data quality at this position. To our knowledge, no occurrence of c.691C>A in individuals affected with ZBTB47-Related possible association with Nneurodevelopmental disorder (PMID: 37743782) and no experimental evidence demonstrating its impact on protein function have been reported. ClinVar contains an entry for this variant (Variation ID: 2310426). Based on the evidence outlined above, the variant was classified as uncertain significance.

Ambry Genetics
Classification: Uncertain significance. Last evaluated: 2022-09-06. Review status: criteria provided, single submitter. Criteria: Ambry Variant Classification Scheme 2023. Collection method: clinical testing. Allele origin: germline.